The following is an entry in ClinVar:

ClinVar aggregate classification (germline): Uncertain significance (1 of 4 stars; one submission).

Submission:

Women's Health and Genetics/Laboratory Corporation of America, LabCorp
Classification: Uncertain significance. Last evaluated: 2025-12-26. Review status: criteria provided, single submitter. Criteria: LabCorp Variant Classification Summary - May 2015. Collection method: clinical testing. Allele origin: germline.
Comment: Variant summary: HGD c.962G>C (p.Arg321Pro) results in a non-conservative amino acid change in the encoded protein sequence. Algorithms developed to predict the effect of missense changes on protein structure and function all suggest that this variant is likely to be disruptive. The variant was absent in 251252 control chromosomes. The available data on variant occurrences in the general population are insufficient to allow any conclusion about variant significance. c.962G>C has been observed in individual(s) affected with Alkaptonuria (Vilboux_2009). These data do not allow any conclusion about variant significance. To our knowledge, no experimental evidence demonstrating an impact on protein function has been reported. The following publication have been ascertained in the context of this evaluation (PMID: 19862842). No submitters have cited clinical-significance assessments for this variant to ClinVar. Based on the evidence outlined above, the variant was classified as uncertain significance.

Literature cited by the submitters: PubMed 19862842.

NM_000187.4(HGD):c.962G>C (p.Arg321Pro)

Gene: HGD (homogentisate 1,2-dioxygenase; minus strand). Cytogenetic location: 3q13.33.
Variant type: single nucleotide variant.
Coding change: c.962G>C on transcript NM_000187.4 (MANE Select); coding-DNA position 962, G replaced by C.
Protein change: p.Arg321Pro; replaces arginine 321 with proline.
Molecular consequence: missense variant.
Genome position (GRCh38, 1-based): chr3:120,638,499, C>G on the plus strand (G>C on the coding strand, the complement: HGD is on the minus strand). VCF-style: chr3-120638499-C-G. GRCh37 (hg19) VCF-style: chr3-120357346-C-G.
Other names: short protein forms R321P.
Identifiers: ClinVar variation 4688819 (VCV004688819.1).